The following is an entry in ClinVar:

ClinVar aggregate classification (germline): Uncertain significance (1 of 4 stars; one submission).

Submission:

Labcorp Genetics (formerly Invitae), Labcorp
Classification: Uncertain significance. Last evaluated: 2024-09-11. Review status: criteria provided, single submitter. Criteria: Invitae Variant Classification Sherloc (09022015). Collection method: clinical testing. Allele origin: germline.
Comment: This sequence change replaces methionine, which is neutral and non-polar, with threonine, which is neutral and polar, at codon 512 of the POLR1A protein (p.Met512Thr). This variant is present in population databases (rs750071234, gnomAD 0.004%). This variant has not been reported in the literature in individuals affected with POLR1A-related conditions. Invitae Evidence Modeling of protein sequence and biophysical properties (such as structural, functional, and spatial information, amino acid conservation, physicochemical variation, residue mobility, and thermodynamic stability) indicates that this missense variant is not expected to disrupt POLR1A protein function with a negative predictive value of 80%. In summary, the available evidence is currently insufficient to determine the role of this variant in disease. Therefore, it has been classified as a Variant of Uncertain Significance.

NM_015425.6(POLR1A):c.1535T>C (p.Met512Thr)

Gene: POLR1A (RNA polymerase I subunit A; minus strand). Cytogenetic location: 2p11.2.
Variant type: single nucleotide variant.
Coding change: c.1535T>C on transcript NM_015425.6 (MANE Select); coding-DNA position 1535, T replaced by C.
Protein change: p.Met512Thr; replaces methionine 512 with threonine.
Molecular consequence: missense variant.
Genome position (GRCh38, 1-based): chr2:86,075,106, A>G on the plus strand (T>C on the coding strand, the complement: POLR1A is on the minus strand). VCF-style: chr2-86075106-A-G. GRCh37 (hg19) VCF-style: chr2-86302229-A-G.
Other names: short protein forms M512T.
Identifiers: ClinVar variation 3719776 (VCV003719776.2).
Genomic context (GRCh38, chr2:86,075,106, plus strand): 5'-GGCTTAGGTGCCCCCGTGGCTGGGGTCAGAAGCTGCTTGGCCACGGCCTCTCGCTGGGTC[A>G]TGTCCACAGCGCTCAGGGCTGTGCGGCTGCCGTCCTCATTGATGACCATGGAGGCTCCTG-3'
Protein context (NP_056240.2, residues 502-522): GSRTALSAVD[Met512Thr]TQREAVAKQL